The following is an entry in ClinVar:

ClinVar aggregate classification (germline): Uncertain significance. Review status: criteria provided, multiple submitters, no conflicts (2 of 4 stars). 4 submissions from 4 submitters: Uncertain significance (4). Last evaluated 2022-05-19.

Conditions:
Joubert syndrome. Also called: Familial aplasia of the vermis; CEREBELLOPARENCHYMAL DISORDER IV; JOUBERT-BOLTSHAUSER SYNDROME. Identifiers: Orphanet 475, MedGen C5979921, MONDO:0018772.
Orofaciodigital syndrome I (OFD1). Also called: Papillon-Leage and Psaume Syndrome; Oral-Facial-Digital Syndrome Type I; OFDS I. Identifiers: Orphanet 2750, MedGen C1510460, MONDO:0010702, OMIM 311200.
Retinitis pigmentosa 23 (RP23). Identifiers: Orphanet 791, MedGen C1419610, MONDO:0010320, OMIM 300424.
Simpson-Golabi-Behmel syndrome type 2. Identifiers: Orphanet 79022, MedGen C1846175, MONDO:0010265, OMIM 300209.
Joubert syndrome 10 (JBTS10). Identifiers: Orphanet 2754, MedGen C2749019, MONDO:0010431, OMIM 300804.

Allele frequency attached by ClinVar (database versions not stated): gnomAD exomes below 0.00001; gnomAD 0.00001; TOPMed 0.00001.

Submissions (4):

Fulgent Genetics
Classification: Uncertain significance for Simpson-Golabi-Behmel syndrome type 2; Retinitis pigmentosa 23; Joubert syndrome 10; Orofaciodigital syndrome I. Last evaluated: 2022-05-19. Review status: criteria provided, single submitter. Criteria: ACMG Guidelines, 2015. Collection method: clinical testing. Allele origin: unknown.

Labcorp Genetics (formerly Invitae), Labcorp
Classification: Uncertain significance for Orofaciodigital syndrome I; Joubert syndrome. Last evaluated: 2022-04-28. Review status: criteria provided, single submitter. Criteria: Invitae Variant Classification Sherloc (09022015). Collection method: clinical testing. Allele origin: germline.
Comment: In summary, the available evidence is currently insufficient to determine the role of this variant in disease. Therefore, it has been classified as a Variant of Uncertain Significance. Variants that disrupt the consensus splice site are a relatively common cause of aberrant splicing (PMID: 17576681, 9536098). Algorithms developed to predict the effect of sequence changes on RNA splicing suggest that this variant may create or strengthen a splice site. ClinVar contains an entry for this variant (Variation ID: 1031341). This variant has not been reported in the literature in individuals affected with OFD1-related conditions. This variant is not present in population databases (gnomAD no frequency). This sequence change falls in intron 9 of the OFD1 gene. It does not directly change the encoded amino acid sequence of the OFD1 protein. It affects a nucleotide within the consensus splice site.

GeneDx
Classification: Uncertain significance. Last evaluated: 2021-05-26. Review status: criteria provided, single submitter. Criteria: GeneDx Variant Classification Process June 2021. Collection method: clinical testing. Allele origin: germline. Affected: yes.
Comment: Not observed at significant frequency in large population cohorts (Lek et al., 2016); In silico analysis supports a deleterious effect on splicing; Has not been previously published as pathogenic or benign to our knowledge

Baylor Genetics
Classification: Uncertain significance for Orofaciodigital syndrome I. Last evaluated: 2018-09-14. Review status: criteria provided, single submitter. Criteria: ACMG Guidelines, 2015. Collection method: clinical testing. Allele origin: maternal. Affected: yes.
Comment: This variant was determined to be of uncertain significance according to ACMG Guidelines, 2015 [PMID:25741868].

Literature cited by the submitters: PubMed 17576681 (cited by Labcorp Genetics (formerly Invitae), Labcorp); PubMed 9536098 (cited by Labcorp Genetics (formerly Invitae), Labcorp).

NM_003611.3(OFD1):c.935+4A>G

Gene: OFD1 (OFD1 centriole and centriolar satellite protein; plus strand). Cytogenetic location: Xp22.2.
Variant type: single nucleotide variant.
Coding change: c.935+4A>G on transcript NM_003611.3 (MANE Select); 4 bases into the intron after coding-DNA position 935, A replaced by G.
Molecular consequence: intron variant.
Genome position (GRCh38, 1-based): chrX:13,749,537, A>G. VCF-style: chrX-13749537-A-G. GRCh37 (hg19) VCF-style: chrX-13767656-A-G.
Other names: c.515+4A>G (NM_001330210.2); c.935+4A>G (NM_001330209.2).
Identifiers: ClinVar variation 1031341 (VCV001031341.11), dbSNP rs1243725011, ClinGen allele CA871892781.